The following is an entry in ClinVar:

NM_003900.5(SQSTM1):c.914A>G (p.Gln305Arg)

Gene: SQSTM1 (sequestosome 1; plus strand). Cytogenetic location: 5q35.3.
Variant type: single nucleotide variant.
Coding change: c.914A>G on transcript NM_003900.5 (MANE Select); coding-DNA position 914, A replaced by G.
Protein change: p.Gln305Arg; replaces glutamine 305 with arginine.
Molecular consequence: missense variant.
Genome position (GRCh38, 1-based): chr5:179,833,191, A>G. VCF-style: chr5-179833191-A-G. GRCh37 (hg19) VCF-style: chr5-179260191-A-G.
Other names: c.662A>G, p.Gln221Arg (NM_001142298.2, NM_001142299.2); short protein forms Q221R, Q305R.
Identifiers: ClinVar variation 1698368 (VCV001698368.4), dbSNP rs1428718517, ClinGen allele CA362451812.

ClinVar aggregate classification (germline): Uncertain significance. Review status: criteria provided, multiple submitters, no conflicts (2 of 4 stars). 2 submissions from 2 submitters: Uncertain significance (2). Last evaluated 2026-01-23.

Conditions:
Frontotemporal dementia and/or amyotrophic lateral sclerosis 1 (FTDALS1). Also called: Frontotemporal dementia with motor neuron disease 1; C9orf72 Frontotemporal Dementia and/or Amyotrophic Lateral Sclerosis. Identifiers: Orphanet 275872, MedGen C5779877, MONDO:0007105, OMIM 105550.
Paget disease of bone 2, early-onset (PDB2). Also called: Paget disease of bone 2. Identifiers: MedGen C4085251, MONDO:0011183, OMIM 602080.

Allele frequency attached by ClinVar (database versions not stated): gnomAD exomes below 0.00001; TOPMed below 0.00001; gnomAD 0.00001.
gnomAD v4.1: 5 of 1,613,276 alleles (0.00031%); highest among the groups gnomAD compares: Non-Finnish European, 0.00042%; no homozygotes.

Submissions (2):

Labcorp Genetics (formerly Invitae), Labcorp
Classification: Uncertain significance for Paget disease of bone 2, early-onset; Frontotemporal dementia and/or amyotrophic lateral sclerosis 1. Last evaluated: 2026-01-23. Review status: criteria provided, single submitter. Criteria: Invitae Variant Classification Sherloc (09022015). Collection method: clinical testing. Allele origin: germline.
Comment: This sequence change replaces glutamine, which is neutral and polar, with arginine, which is basic and polar, at codon 305 of the SQSTM1 protein (p.Gln305Arg). The frequency data for this variant in the population databases is considered unreliable, as metrics indicate poor data quality at this position in the gnomAD database. This variant has not been reported in the literature in individuals affected with SQSTM1-related conditions. ClinVar contains an entry for this variant (Variation ID: 1698368). Invitae Evidence Modeling of protein sequence and biophysical properties (such as structural, functional, and spatial information, amino acid conservation, physicochemical variation, residue mobility, and thermodynamic stability) indicates that this missense variant is not expected to disrupt SQSTM1 protein function with a negative predictive value of 80%. In summary, the available evidence is currently insufficient to determine the role of this variant in disease. Therefore, it has been classified as a Variant of Uncertain Significance.

GeneDx
Classification: Uncertain significance. Last evaluated: 2022-01-19. Review status: criteria provided, single submitter. Criteria: GeneDx Variant Classification Process June 2021. Collection method: clinical testing. Allele origin: germline. Affected: yes.
Comment: Not observed at significant frequency in large population cohorts (gnomAD); In silico analysis supports that this missense variant does not alter protein structure/function; Has not been previously published as pathogenic or benign to our knowledge